The following is an entry in ClinVar:

ClinVar aggregate classification (germline): Conflicting classifications of pathogenicity. Review status: criteria provided, conflicting classifications (1 of 4 stars). 3 submissions from 3 submitters: Uncertain significance (2); Likely benign (1). Last evaluated 2026-01-04.

Conditions:
Renal cell carcinoma. Identifiers: Orphanet 217071, MedGen C0007134, MeSH D002292, MONDO:0005086, HP:0005584.
Hereditary cancer-predisposing syndrome. Also called: Hereditary Cancer Syndrome; Hereditary neoplastic syndrome; Neoplastic Syndromes, Hereditary; Tumor predisposition. Identifiers: Orphanet 140162, MedGen C0027672, MeSH D009386, MONDO:0015356.

Allele frequency attached by ClinVar (database versions not stated): gnomAD exomes below 0.00001; ExAC 0.00001.
gnomAD v4.1: 5 of 1,614,212 alleles (0.00031%); highest among the groups gnomAD compares: Non-Finnish European, 0.00042%; no homozygotes.

Submissions (3):

Labcorp Genetics (formerly Invitae), Labcorp
Classification: Uncertain significance for Renal cell carcinoma. Last evaluated: 2026-01-04. Review status: criteria provided, single submitter. Criteria: Invitae Variant Classification Sherloc (09022015). Collection method: clinical testing. Allele origin: germline.
Comment: This sequence change replaces proline, which is neutral and non-polar, with serine, which is neutral and polar, at codon 534 of the MET protein (p.Pro534Ser). This variant is present in population databases (rs200283364, gnomAD 0.0009%). This variant has not been reported in the literature in individuals affected with MET-related conditions. ClinVar contains an entry for this variant (Variation ID: 454192). Invitae Evidence Modeling of protein sequence and biophysical properties (such as structural, functional, and spatial information, amino acid conservation, physicochemical variation, residue mobility, and thermodynamic stability) indicates that this missense variant is not expected to disrupt MET protein function with a negative predictive value of 80%. In summary, the available evidence is currently insufficient to determine the role of this variant in disease. Therefore, it has been classified as a Variant of Uncertain Significance.

Ambry Genetics
Classification: Likely benign for Hereditary cancer-predisposing syndrome. Last evaluated: 2024-04-10. Review status: criteria provided, single submitter. Criteria: Ambry Variant Classification Scheme 2023. Collection method: clinical testing. Allele origin: germline.

GeneDx
Classification: Uncertain significance. Last evaluated: 2023-12-11. Review status: criteria provided, single submitter. Criteria: GeneDx Variant Classification Process June 2021. Collection method: clinical testing. Allele origin: germline. Affected: yes.
Comment: Not observed at significant frequency in large population cohorts (gnomAD); In silico analysis supports that this missense variant does not alter protein structure/function; Has not been previously published as pathogenic or benign to our knowledge

NM_000245.4(MET):c.1600C>T (p.Pro534Ser)

Gene: MET (MET proto-oncogene, receptor tyrosine kinase; plus strand). Cytogenetic location: 7q31.2.
Variant type: single nucleotide variant.
Coding change: c.1600C>T on transcript NM_000245.4 (MANE Select); coding-DNA position 1600, C replaced by T.
Protein change: p.Pro534Ser; replaces proline 534 with serine.
Molecular consequence: missense variant.
Genome position (GRCh38, 1-based): chr7:116,740,924, C>T. VCF-style: chr7-116740924-C-T. GRCh37 (hg19) VCF-style: chr7-116380978-C-T.
Other names: c.1600C>T, p.Pro534Ser (NM_001127500.3, NM_001324401.3); c.310C>T, p.Pro104Ser (NM_001324402.2); short protein forms P534S, P104S.
Identifiers: ClinVar variation 454192 (VCV000454192.15), dbSNP rs200283364, ClinGen allele CA4448207.